The following is an entry in ClinVar:

ClinVar aggregate classification (germline): Uncertain significance (0 of 4 stars; one submission).

Conditions:
GREM1-related disorder. Also called: GREM1-related condition.

gnomAD v4.1: 31 of 1,613,446 alleles (0.0019%); highest among the groups gnomAD compares: Admixed American, 0.013%; no homozygotes.

Submission:

PreventionGenetics, part of Exact Sciences
Classification: Uncertain significance for GREM1-related condition. Last evaluated: 2024-07-02. Review status: no assertion criteria provided. Collection method: clinical testing. Allele origin: germline.
Comment: The GREM1 c.208G>A variant is predicted to result in the amino acid substitution p.Gly70Arg. To our knowledge, this variant has not been reported in the literature or ClinVar database. This variant is reported in 0.017% of alleles in individuals of Latino descent in gnomAD. At this time, the clinical significance of this variant is uncertain due to the absence of conclusive functional and genetic evidence.

NM_013372.7(GREM1):c.208G>A (p.Gly70Arg)

Gene: GREM1 (gremlin 1, DAN family BMP antagonist; plus strand). Cytogenetic location: 15q13.3.
Variant type: single nucleotide variant.
Coding change: c.208G>A on transcript NM_013372.7 (MANE Select); coding-DNA position 208, G replaced by A.
Protein change: p.Gly70Arg; replaces glycine 70 with arginine.
Molecular consequence: missense variant. On other transcripts: intron variant (2).
Genome position (GRCh38, 1-based): chr15:32,730,898, G>A. VCF-style: chr15-32730898-G-A. GRCh37 (hg19) VCF-style: chr15-33023099-G-A.
Other names: c.208G>A, p.Gly70Arg (NM_001368719.1); c.115-30G>A (NM_001191323.2); c.28-30G>A (NM_001191322.2); short protein forms G70R.
Identifiers: ClinVar variation 3354080 (VCV003354080.1).